The following is an entry in ClinVar:

NM_000361.3(THBD):c.877G>C (p.Glu293Gln)

Gene: THBD (thrombomodulin; minus strand). Cytogenetic location: 20p11.21.
Variant type: single nucleotide variant.
Coding change: c.877G>C on transcript NM_000361.3 (MANE Select); coding-DNA position 877, G replaced by C.
Protein change: p.Glu293Gln; replaces glutamic acid 293 with glutamine.
Molecular consequence: missense variant.
Genome position (GRCh38, 1-based): chr20:23,048,628, C>G on the plus strand (G>C on the coding strand, the complement: THBD is on the minus strand). VCF-style: chr20-23048628-C-G. GRCh37 (hg19) VCF-style: chr20-23029265-C-G.
Other names: c.877G>C (NM_000361.2); short protein forms E293Q.
Identifiers: ClinVar variation 1463004 (VCV001463004.10), dbSNP rs765071586, ClinGen allele CA9787672.
Genomic context (GRCh38, chr20:23,048,628, plus strand): 5'-CGGTCTCGCACATGCACGAGTAGGAGCCCGGCTGGTCGGGGTTGGGAACGCAGAAGTGCT[C>G]GCAGAGGTCGTTGCAGGACTGCGTCGCGGATGCGGTGCAGGAGCGCCCGTCTGCCTGCAG-3'
Protein context (NP_000352.1, residues 283-303): SATQSCNDLC[Glu293Gln]HFCVPNPDQP

ClinVar aggregate classification (germline): Uncertain significance. Review status: criteria provided, multiple submitters, no conflicts (2 of 4 stars). 3 submissions from 3 submitters: Uncertain significance (3). Last evaluated 2025-07-02.

Conditions:
Inborn genetic diseases. Identifiers: MedGen C0950123, MeSH D030342.
Thrombomodulin-related bleeding disorder (THPH12). Also called: Thrombophilia due to thrombomodulin defect. Identifiers: Orphanet 436169, MedGen C3280976, MONDO:0013775, OMIM 614486.
Atypical hemolytic-uremic syndrome with thrombomodulin anomaly. Also called: HEMOLYTIC UREMIC SYNDROME, ATYPICAL, SUSCEPTIBILITY TO, 6; AHUS, SUSCEPTIBILITY TO, 6. Identifiers: MedGen C2752036, MONDO:0013044, OMIM 612926. Disease mechanism: gain of function.

Allele frequency attached by ClinVar (database versions not stated): gnomAD exomes below 0.00001; ExAC 0.00001; TOPMed 0.00001.
gnomAD v4.1: 2 of 1,597,120 alleles (0.00013%); highest among the groups gnomAD compares: Admixed American, 0.0033%; no homozygotes.

Submissions (3):

Ambry Genetics
Classification: Uncertain significance for Inborn genetic diseases. Last evaluated: 2025-07-02. Review status: criteria provided, single submitter. Criteria: Ambry Variant Classification Scheme 2023. Collection method: clinical testing. Allele origin: germline.

Fulgent Genetics
Classification: Uncertain significance for Atypical hemolytic-uremic syndrome with thrombomodulin anomaly; Thrombomodulin-related bleeding disorder. Last evaluated: 2024-02-28. Review status: criteria provided, single submitter. Criteria: ACMG Guidelines, 2015. Collection method: clinical testing. Allele origin: germline.

Labcorp Genetics (formerly Invitae), Labcorp
Classification: Uncertain significance. Last evaluated: 2022-07-08. Review status: criteria provided, single submitter. Criteria: Invitae Variant Classification Sherloc (09022015). Collection method: clinical testing. Allele origin: germline.
Comment: ClinVar contains an entry for this variant (Variation ID: 1463004). This sequence change replaces glutamic acid, which is acidic and polar, with glutamine, which is neutral and polar, at codon 293 of the THBD protein (p.Glu293Gln). This variant is present in population databases (rs765071586, gnomAD 0.003%). This variant has not been reported in the literature in individuals affected with THBD-related conditions. Algorithms developed to predict the effect of missense changes on protein structure and function output the following: SIFT: "Tolerated"; PolyPhen-2: "Benign"; Align-GVGD: "Class C0". The glutamine amino acid residue is found in multiple mammalian species, which suggests that this missense change does not adversely affect protein function. In summary, the available evidence is currently insufficient to determine the role of this variant in disease. Therefore, it has been classified as a Variant of Uncertain Significance.